The following is an entry in ClinVar:

ClinVar aggregate classification (germline): Uncertain significance (1 of 4 stars; one submission).

Submission:

GeneDx
Classification: Uncertain significance. Last evaluated: 2023-01-19. Review status: criteria provided, single submitter. Criteria: GeneDx Variant Classification Process June 2021. Collection method: clinical testing. Allele origin: germline. Affected: yes.
Comment: Not observed at significant frequency in large population cohorts (gnomAD); In silico analysis supports a deleterious effect on splicing; Has not been previously published as pathogenic or benign to our knowledge

NM_000051.4(ATM):c.6808-6T>G

Genes: ATM (ATM serine/threonine kinase; plus strand), C11orf65 (chromosome 11 open reading frame 65; minus strand). Cytogenetic location: 11q22.3.
Variant type: single nucleotide variant.
Coding change: c.6808-6T>G on transcript NM_000051.4 (MANE Select); 6 bases into the intron before coding-DNA position 6808, T replaced by G.
Molecular consequence: intron variant.
Genome position (GRCh38, 1-based): chr11:108,326,052, T>G. VCF-style: chr11-108326052-T-G. GRCh37 (hg19) VCF-style: chr11-108196779-T-G.
Other names: c.6808-6T>G (NM_001351834.2); c.641-16981A>C (NM_001330368.2); c.*38+9168A>C (NM_001351110.2).
Identifiers: ClinVar variation 2573960 (VCV002573960.1), dbSNP rs995574419, ClinGen allele CA2580615055.